The following is an entry in ClinVar:

ClinVar aggregate classification (germline): Benign/Likely benign. Review status: criteria provided, multiple submitters, no conflicts (2 of 4 stars). 3 submissions from 3 submitters: Benign (1); Likely benign (1). 1 of the submissions does not count toward it. Last evaluated 2025-06-11.

Conditions:
Inborn genetic diseases. Identifiers: MedGen C0950123, MeSH D030342.
GPC3-related disorder. Also called: GPC3-related condition.
Wilms tumor 1 (WT1). Also called: Wilms tumor, somatic. Identifiers: Orphanet 654, MedGen CN033288, MONDO:0008679, OMIM 194070.

Allele frequency attached by ClinVar (database versions not stated): TOPMed below 0.00001; ExAC 0.00001; gnomAD 0.00001; gnomAD exomes 0.00001 and 0.00008.
gnomAD v4.1: 16 of 1,202,139 alleles (0.0013%); highest among the groups gnomAD compares: Admixed American, 0.035%; no homozygotes.

Submissions (3):

Labcorp Genetics (formerly Invitae), Labcorp
Classification: Benign for Wilms tumor 1. Last evaluated: 2025-06-11. Review status: criteria provided, single submitter. Criteria: Invitae Variant Classification Sherloc (09022015). Collection method: clinical testing. Allele origin: germline.

Ambry Genetics
Classification: Likely benign for Inborn genetic diseases. Last evaluated: 2019-05-18. Review status: criteria provided, single submitter. Criteria: Ambry Variant Classification Scheme 2023. Collection method: clinical testing. Allele origin: germline.

PreventionGenetics, part of Exact Sciences
Classification: Likely benign for GPC3-related condition. Last evaluated: 2022-08-13. Review status: no assertion criteria provided. Collection method: clinical testing. Allele origin: germline. Not counted in ClinVar's aggregate classification.
Comment: This variant is classified as likely benign based on ACMG/AMP sequence variant interpretation guidelines (Richards et al. 2015 PMID: 25741868, with internal and published modifications).

NM_004484.4(GPC3):c.1162A>G (p.Arg388Gly)

Gene: GPC3 (glypican 3; minus strand). Cytogenetic location: Xq26.2.
Variant type: single nucleotide variant.
Coding change: c.1162A>G on transcript NM_004484.4 (MANE Select); coding-DNA position 1162, A replaced by G.
Protein change: p.Arg388Gly; replaces arginine 388 with glycine.
Molecular consequence: missense variant.
Genome position (GRCh38, 1-based): chrX:133,699,899, T>C on the plus strand (A>G on the coding strand, the complement: GPC3 is on the minus strand). VCF-style: chrX-133699899-T-C. GRCh37 (hg19) VCF-style: chrX-132833927-T-C.
Other names: c.1231A>G, p.Arg411Gly (NM_001164617.2); c.1114A>G, p.Arg372Gly (NM_001164618.2); c.1000A>G, p.Arg334Gly (NM_001164619.2); short protein forms R388G, R334G, R372G, R411G.
Identifiers: ClinVar variation 408893 (VCV000408893.16), dbSNP rs199812705, ClinGen allele CA10520721.